The following is an entry in ClinVar:

ClinVar aggregate classification (germline): Uncertain significance (1 of 4 stars; one submission).

Submission:

Labcorp Genetics (formerly Invitae), Labcorp
Classification: Uncertain significance. Last evaluated: 2024-04-24. Review status: criteria provided, single submitter. Criteria: Invitae Variant Classification Sherloc (09022015). Collection method: clinical testing. Allele origin: germline.
Comment: This variant results in the deletion of part of exon 5 (c.1367_1417+12del) of the KANK2 gene. It is expected to disrupt RNA splicing. Variants that disrupt the donor or acceptor splice site typically lead to a loss of protein function (PMID: 16199547), however the current clinical and genetic evidence is not sufficient to establish whether loss-of-function variants in KANK2 cause disease. This variant is not present in population databases (gnomAD no frequency). This variant has not been reported in the literature in individuals affected with KANK2-related conditions. In summary, the available evidence is currently insufficient to determine the role of this variant in disease. Therefore, it has been classified as a Variant of Uncertain Significance.

Literature cited by the submitters: PubMed 16199547.

NM_001136191.3(KANK2):c.1367_1417+12del

Gene: KANK2 (KN motif and ankyrin repeat domains 2; minus strand). Cytogenetic location: 19p13.2.
Variant type: Deletion.
Coding change: c.1367_1417+12del on transcript NM_001136191.3 (MANE Select); coding-DNA position 1367 through 12 bases into the intron after coding-DNA position 1417, 63 bases deleted.
Molecular consequence: splice donor variant.
Genome position (GRCh38, 1-based): chr19:11,178,541-11,178,603, 63 bases deleted. GRCh37 (hg19): chr19:11,289,220-11,289,282.
Other names: c.1367_1417+12del (NM_015493.7, NM_001329451.2, NM_001379548.1 and 15 more transcripts).
Identifiers: ClinVar variation 3621224 (VCV003621224.2).